The following is an entry in ClinVar:

NM_001378454.1(ALMS1):c.136G>A (p.Val46Met)

Gene: ALMS1 (ALMS1 centrosome and basal body associated protein; plus strand). Cytogenetic location: 2p13.1.
Variant type: single nucleotide variant.
Coding change: c.136G>A on transcript NM_001378454.1 (MANE Select); coding-DNA position 136, G replaced by A.
Protein change: p.Val46Met; replaces valine 46 with methionine.
Molecular consequence: missense variant.
Genome position (GRCh38, 1-based): chr2:73,386,004, G>A. VCF-style: chr2-73386004-G-A. GRCh37 (hg19) VCF-style: chr2-73613132-G-A.
Other names: c.139G>A, p.Val47Met (NM_015120.4); short protein forms V47M, V46M.
Identifiers: ClinVar variation 391895 (VCV000391895.3), dbSNP rs1057524276, ClinGen allele CA16604384.

ClinVar aggregate classification (germline): Uncertain significance. Review status: criteria provided, multiple submitters, no conflicts (2 of 4 stars). 2 submissions from 2 submitters: Uncertain significance (2). Last evaluated 2026-03-11.

Conditions:
ALMS1-related disorder. Also called: ALMS1-related condition.

Allele frequency attached by ClinVar (database versions not stated): gnomAD 0.00001; TOPMed 0.00001.
gnomAD v4.1: 2 of 1,560,078 alleles (0.00013%); highest among the groups gnomAD compares: African/African-American, 0.0014%; no homozygotes.

Submissions (2):

PreventionGenetics, part of Exact Sciences
Classification: Uncertain significance for ALMS1-related condition. Last evaluated: 2026-03-11. Review status: criteria provided, single submitter. Criteria: ACMG Guidelines, 2015. Collection method: clinical testing. Allele origin: germline.
Comment: The ALMS1 c.139G>A variant is predicted to result in the amino acid substitution p.Glu47Lys. To our knowledge, this variant has not been reported in the literature or in a large population database (gnomAD), indicating this variant is rare. At this time, the clinical significance of this variant is uncertain due to the absence of conclusive functional and genetic evidence.

GeneDx
Classification: Uncertain significance. Last evaluated: 2016-12-22. Review status: criteria provided, single submitter. Criteria: GeneDx Variant Classification (06012015). Collection method: clinical testing. Allele origin: germline. Affected: yes.
Comment: A variant of uncertain significance has been identified in the ALMS1 gene. The V47M variant has not been published as a pathogenic variant, nor has it been reported as a benign variant to our knowledge. The V47M variant was not observed in approximately 6,100 individuals of European and African American ancestry in the NHLBI Exome Sequencing Project, and was not observed in the Exome Aggregation Consortium (ExAC). However, V47M is a conservative amino acid substitution, which is not likely to impact secondary protein structure as these residues share similar properties. Additionally, this substitution occurs at a position that is not conserved across species and Methionine is the wild-type residue at this position in at least three mammalian species. In silico analysis predicts this variant likely does not alter the protein structure/function.Therefore, based on the currently available information, it is unclear whether this variant is pathogenic or rare benign.